The following is an entry in ClinVar:

ClinVar aggregate classification (germline): Pathogenic. Review status: criteria provided, single submitter (1 of 4 stars). 2 submissions from 2 submitters: Pathogenic (1). 1 of the submissions does not count toward it. Last evaluated 2021-04-13.

Conditions:
Intellectual developmental disorder with seizures and language delay (IDDSELD). Identifiers: MedGen C5436574, MONDO:0033559, OMIM 619000.

Submissions (2):

SIB Swiss Institute of Bioinformatics
Classification: Pathogenic for Intellectual developmental disorder with seizures and language delay. Last evaluated: 2021-04-13. Review status: criteria provided, single submitter. Criteria: ACMG Guidelines, 2015. Collection method: curation. Allele origin: unknown.
Comment: This variant is interpreted as pathogenic for Intellectual developmental disorder with seizures and language delay, autosomal dominant. The following ACMG Tag(s) were applied: Absent from controls (or at extremely low frequency if recessive) in Exome Sequencing Project, 1000 Genomes Project, or Exome Aggregation Consortium (PM2); Assumed de novo, but no confirmation of paternity and maternity (PM6); Predicted nullvariant in a gene where LOF is a known mechanism of disease (PVS1 downgraded to strong).

OMIM
Classification: Pathogenic for INTELLECTUAL DEVELOPMENTAL DISORDER WITH SEIZURES AND LANGUAGE DELAY. Last evaluated: 2023-01-23. Review status: no assertion criteria provided. Collection method: literature only. Allele origin: germline. Not counted in ClinVar's aggregate classification.

Literature cited by the submitters: PubMed 32546566 (cited by SIB Swiss Institute of Bioinformatics and OMIM).

NM_001353345.2(SETD1B):c.2932C>T (p.Gln978Ter)

Gene: SETD1B (SET domain containing 1B, histone lysine methyltransferase; plus strand). Cytogenetic location: 12q24.31.
Variant type: single nucleotide variant.
Coding change: c.2932C>T on transcript NM_001353345.2 (MANE Select); coding-DNA position 2932, C replaced by T.
Protein change: p.Gln978Ter; replaces glutamine 978 with a stop codon.
Molecular consequence: nonsense.
Genome position (GRCh38, 1-based): chr12:121,817,249, C>T. VCF-style: chr12-121817249-C-T. GRCh37 (hg19) VCF-style: chr12-122255155-C-T.
Other names: Q978*; NM_015048.1:c.2932C>T.
Identifiers: ClinVar variation 977480 (VCV000977480.7), dbSNP rs1876334453, ClinGen allele CA386995753.